The following is an entry in ClinVar:

ClinVar aggregate classification (germline): conflicting data from submitters (0 of 4 stars; one submission).

Submission:

ISCA Site 6
Classification: conflicting data from submitters. Review status: no assertion criteria provided. Collection method: clinical testing. Allele origin: unknown. Affected: yes. Observed: 3 variant alleles. Clinical features observed: Developmental delay AND/OR other significant developmental or morphological phenotypes.
Comment: Uncertain significance(1), Likely benign (2)

Copy number variation identified through the course of routine clinical cytogenomic testing in postnatal populations, with clinical assertions as classified by the original submitter. For data from the original published study, Kaminsky, et al. 2011 (PubMed 21844811), please see nstd101.

GRCh37/hg19 1p36.33(chr1:1387704-1425677)x1

Genes: ATAD3B (ATPase family AAA domain containing 3B; plus strand), ATAD3C (ATPase family AAA domain containing 3C; plus strand). Cytogenetic location: 1p36.33.
Variant type: copy number loss.
Change: copy number 1 (one copy instead of two) of chr1:1,387,704-1,425,677 (38.0 kb, GRCh37 coordinates, 1-based), cytogenetic band 1p36.33.
Identifiers: ClinVar variation 394332 (VCV000394332.3).